The following is an entry in ClinVar:

ClinVar aggregate classification (germline): Uncertain significance (1 of 4 stars; one submission).

gnomAD v4.1: 3 of 1,612,026 alleles (0.00019%); highest among the groups gnomAD compares: East Asian, 0.0022%; no homozygotes.

Submission:

Labcorp Genetics (formerly Invitae), Labcorp
Classification: Uncertain significance. Last evaluated: 2024-08-31. Review status: criteria provided, single submitter. Criteria: Invitae Variant Classification Sherloc (09022015). Collection method: clinical testing. Allele origin: germline.
Comment: This sequence change replaces methionine, which is neutral and non-polar, with threonine, which is neutral and polar, at codon 2063 of the SORL1 protein (p.Met2063Thr). This variant is not present in population databases (gnomAD no frequency). This variant has not been reported in the literature in individuals affected with SORL1-related conditions. An algorithm developed to predict the effect of missense changes on protein structure and function (PolyPhen-2) suggests that this variant is likely to be tolerated. In summary, the available evidence is currently insufficient to determine the role of this variant in disease. Therefore, it has been classified as a Variant of Uncertain Significance.

NM_003105.6(SORL1):c.6188T>C (p.Met2063Thr)

Gene: SORL1 (sortilin related receptor 1; plus strand). Cytogenetic location: 11q24.1.
Variant type: single nucleotide variant.
Coding change: c.6188T>C on transcript NM_003105.6 (MANE Select); coding-DNA position 6188, T replaced by C.
Protein change: p.Met2063Thr; replaces methionine 2063 with threonine.
Molecular consequence: missense variant.
Genome position (GRCh38, 1-based): chr11:121,625,101, T>C. VCF-style: chr11-121625101-T-C. GRCh37 (hg19) VCF-style: chr11-121495810-T-C.
Other names: short protein forms M2063T.
Identifiers: ClinVar variation 3608662 (VCV003608662.2).
Genomic context (GRCh38, chr11:121,625,101, plus strand): 5'-TTCCATATTCGACTTCCTGAGCAATCTCTTGTGTTTGTTTTCAGGGCTATGAGATACACA[T>C]GTTTGATAGTGCCATGAATATCACAGCTTACCTTGGGAATACTACTGACAATTTCTTTAA-3'
Protein context (NP_003096.2, residues 2053-2073): FNESRGYEIH[Met2063Thr]FDSAMNITAY